The following is an entry in ClinVar:

NM_003803.4(MYOM1):c.1235A>T (p.Asp412Val)

Gene: MYOM1 (myomesin 1; minus strand). Cytogenetic location: 18p11.31.
Variant type: single nucleotide variant.
Coding change: c.1235A>T on transcript NM_003803.4 (MANE Select); coding-DNA position 1235, A replaced by T.
Protein change: p.Asp412Val; replaces aspartic acid 412 with valine.
Molecular consequence: missense variant.
Genome position (GRCh38, 1-based): chr18:3,168,921, T>A on the plus strand (A>T on the coding strand, the complement: MYOM1 is on the minus strand). VCF-style: chr18-3168921-T-A. GRCh37 (hg19) VCF-style: chr18-3168919-T-A.
Other names: c.1235A>T, p.Asp412Val (NM_019856.2); short protein forms D412V.
Identifiers: ClinVar variation 580521 (VCV000580521.9), dbSNP rs767444514, ClinGen allele CA401715328.

ClinVar aggregate classification (germline): Uncertain significance. Review status: criteria provided, multiple submitters, no conflicts (2 of 4 stars). 2 submissions from 2 submitters: Uncertain significance (2). Last evaluated 2026-07-24.

Conditions:
Hypertrophic cardiomyopathy. Also called: HYPERTROPHIC MYOCARDIOPATHY. Identifiers: Orphanet 217569, MedGen C0007194, MeSH D002312, MONDO:0005045, HP:0001639.

Allele frequency attached by ClinVar (database versions not stated): TOPMed below 0.00001.

Submissions (2):

Ambry Genetics
Classification: Uncertain significance. Last evaluated: 2026-07-24. Review status: criteria provided, single submitter. Criteria: Ambry Variant Classification Scheme 2023. Collection method: clinical testing. Allele origin: germline.
Comment: The p.D412V variant (also known as c.1235A>T), located in coding exon 8 of the MYOM1 gene, results from an A to T substitution at nucleotide position 1235. The aspartic acid at codon 412 is replaced by valine, an amino acid with highly dissimilar properties. This amino acid position is conserved. In addition, this alteration is predicted to be tolerated by in silico analysis. Based on the available evidence, the clinical significance of this variant remains unclear.

Labcorp Genetics (formerly Invitae), Labcorp
Classification: Uncertain significance for Hypertrophic cardiomyopathy. Last evaluated: 2018-04-12. Review status: criteria provided, single submitter. Criteria: Invitae Variant Classification Sherloc (09022015). Collection method: clinical testing. Allele origin: germline.
Comment: This sequence change replaces aspartic acid with valine at codon 412 of the MYOM1 protein (p.Asp412Val). The aspartic acid residue is moderately conserved and there is a large physicochemical difference between aspartic acid and valine. This variant is not present in population databases (ExAC no frequency). This variant has not been reported in the literature in individuals with MYOM1-related disease. Algorithms developed to predict the effect of missense changes on protein structure and function do not agree on the potential impact of this missense change (SIFT: "Deleterious"; PolyPhen-2: "Possibly Damaging"; Align-GVGD: "Class C0"). In summary, the available evidence is currently insufficient to determine the role of this variant in disease. Therefore, it has been classified as a Variant of Uncertain Significance.